The following is an entry in ClinVar:

NM_005732.4(RAD50):c.2099_2100del (p.Asp700fs)

Gene: RAD50 (RAD50 double strand break repair protein; plus strand). Cytogenetic location: 5q31.1.
Variant type: Deletion.
Coding change: c.2099_2100del on transcript NM_005732.4 (MANE Select); coding-DNA positions 2099 to 2100, 2 bases deleted (AT; older notation c.2099_2100delAT).
Protein change: p.Asp700fs; shifts the reading frame from aspartic acid 700.
Molecular consequence: frameshift variant.
Genome position (GRCh38, 1-based): chr5:132,595,702-132,595,703, AT deleted. VCF-style (leftmost placement, unchanged base first): chr5-132595701-GAT-G. GRCh37 (hg19) VCF-style: chr5-131931393-GAT-G.
Other names: c.2099_2100delAT (NM_005732.4); short protein forms D700fs.
Identifiers: ClinVar variation 1319969 (VCV001319969.2), dbSNP rs2149844146, ClinGen allele CA2573052425.
Genomic context (GRCh38, chr5:132,595,701, plus strand): 5'-TGTTGCCCCGTTTGTCAGAGAGTTTTTCAGACAGAGGCTGAGTTACAAGAAGTCATCAGT[GAT>G]TTGCAGTCTAAACTGCGACTTGCTCCAGATAAACTCAAGTCAACAGAATCAGAGCTAAAA-3'

ClinVar aggregate classification (germline): Likely pathogenic (1 of 4 stars; one submission).

Conditions:
Hereditary cancer-predisposing syndrome. Also called: Hereditary neoplastic syndrome; Neoplastic Syndromes, Hereditary; Tumor predisposition; Hereditary Cancer Syndrome. Identifiers: Orphanet 140162, MedGen C0027672, MeSH D009386, MONDO:0015356.

Submission:

GeneID Lab - Advanced Molecular Diagnostics
Classification: Likely pathogenic for Hereditary cancer-predisposing syndrome. Last evaluated: 2019-01-07. Review status: criteria provided, single submitter. Criteria: ACMG Guidelines, 2015. Collection method: clinical testing. Allele origin: germline. Affected: no. Observed: 1 variant allele.
Comment: This variant results in an amino acid alteration, replacing an aspartic acid (D) with a valine (V) at position 700 of the protein and creating a premature stop signal in the new reading frame noted as p.Asp700Valfs*4. The variant is predicted to result in a non-functional RAD50 protein, either through protein truncation or nonsense-mediated mRNA decay. This variant is has not been reported in the ClinVar Database (NCBI National Library of Medicine, NIH, Bethesda MD) or in the gnomAD exomes database. Based on these findings and the limited literature regarding this substitution we consider it as a “likely pathogenic variant”.